The following is an entry in ClinVar:

ClinVar aggregate classification (germline): Benign (1 of 4 stars; one submission).

Allele frequency attached by ClinVar (database versions not stated): TOPMed 0.00011; ExAC 0.00014; gnomAD exomes 0.00022 and 0.00011; gnomAD 0.00010 and 0.00011.
gnomAD v4.1: 198 of 1,599,704 alleles (0.012%); highest among the groups gnomAD compares: Non-Finnish European, 0.0029%; no homozygotes.

Submission:

GeneDx
Classification: Benign. Last evaluated: 2014-02-16. Review status: criteria provided, single submitter. Criteria: GeneDx Variant Classification (06012015). Collection method: clinical testing. Allele origin: germline. Affected: yes.
Comment: This variant is considered likely benign or benign based on one or more of the following criteria: it is a conservative change, it occurs at a poorly conserved position in the protein, it is predicted to be benign by multiple in silico algorithms, and/or has population frequency not consistent with disease.

NM_006361.6(HOXB13):c.-47C>T

Gene: HOXB13 (homeobox B13; minus strand). Cytogenetic location: 17q21.32.
Variant type: single nucleotide variant.
Coding change: c.-47C>T on transcript NM_006361.6 (MANE Select); 47 bases upstream of the start codon, C replaced by T.
Molecular consequence: 5 prime UTR variant.
Genome position (GRCh38, 1-based): chr17:48,728,640, G>A on the plus strand (C>T on the coding strand, the complement: HOXB13 is on the minus strand). VCF-style: chr17-48728640-G-A. GRCh37 (hg19) VCF-style: chr17-46806002-G-A.
Identifiers: ClinVar variation 182505 (VCV000182505.1), dbSNP rs200891371, ClinGen allele CA299234.